The following is an entry in ClinVar:

ClinVar aggregate classification (germline): Uncertain significance (1 of 4 stars; one submission).

Conditions:
Genitopatellar syndrome (GTPTS). Also called: ABSENT PATELLAE, SCROTAL HYPOPLASIA, RENAL ANOMALIES, FACIAL DYSMORPHISM, AND MENTAL RETARDATION; Genitopatellar syndrome (GPS). Identifiers: Orphanet 85201, MedGen C1853566, MONDO:0011640, OMIM 606170.

Submission:

Labcorp Genetics (formerly Invitae), Labcorp
Classification: Uncertain significance for Genitopatellar syndrome. Last evaluated: 2024-05-23. Review status: criteria provided, single submitter. Criteria: Invitae Variant Classification Sherloc (09022015). Collection method: clinical testing. Allele origin: germline.
Comment: This variant, c.3270_3281del, results in the deletion of 4 amino acid(s) of the KAT6B protein (p.Asp1090_Glu1093del), but otherwise preserves the integrity of the reading frame. This variant is not present in population databases (gnomAD no frequency). This variant has not been reported in the literature in individuals affected with KAT6B-related conditions. Experimental studies and prediction algorithms are not available or were not evaluated, and the functional significance of this variant is currently unknown. In summary, the available evidence is currently insufficient to determine the role of this variant in disease. Therefore, it has been classified as a Variant of Uncertain Significance.

NM_012330.4(KAT6B):c.3270_3281del (p.Asp1090_Glu1093del)

Gene: KAT6B (lysine acetyltransferase 6B; plus strand). Cytogenetic location: 10q22.2.
Variant type: Deletion.
Coding change: c.3270_3281del on transcript NM_012330.4 (MANE Select); coding-DNA positions 3270 to 3281, 12 bases deleted (TGAAGAGGAGGA).
Protein change: p.Asp1090_Glu1093del.
Genome position (GRCh38, 1-based): chr10:75,022,129-75,022,140, TGAAGAGGAGGA deleted; deleting any 12 consecutive bases within chr10:75,022,124-75,022,140 gives the same sequence; the c. name uses the placement nearest the transcript's 3' end. VCF-style (leftmost placement, unchanged base first): chr10-75022123-AGAGGATGAAGAG-A. GRCh37 (hg19) VCF-style: chr10-76781881-AGAGGATGAAGAG-A.
Other names: c.2721_2732del, p.Asp907_Glu910del (NM_001256468.2, NM_001370138.1); c.2394_2405del, p.Asp798_Glu801del (NM_001256469.2, NM_001370139.1, NM_001370140.1 and 2 more transcripts); c.2232_2243del, p.Asp744_Glu747del (NM_001370132.1); c.1581_1592del, p.Asp527_Glu530del (NM_001370133.1); c.1185_1196del, p.Asp395_Glu398del (NM_001370134.1); c.927_938del, p.Asp309_Glu312del (NM_001370135.1); c.3270_3281del, p.Asp1090_Glu1093del (NM_001370136.1, NM_001370137.1); c.2205_2216del, p.Asp735_Glu738del (NM_001370143.1, NM_001370144.1).
Identifiers: ClinVar variation 3668068 (VCV003668068.2).